The following is an entry in ClinVar:

ClinVar aggregate classification (germline): Uncertain significance. Review status: criteria provided, multiple submitters, no conflicts (2 of 4 stars). 2 submissions from 2 submitters: Uncertain significance (2). Last evaluated 2022-08-05.

Conditions:
Inborn genetic diseases. Identifiers: MedGen C0950123, MeSH D030342.

Allele frequency attached by ClinVar (database versions not stated): gnomAD exomes 0.00003 and 0.00009; gnomAD 0.00029 and 0.00032; ESP Exome Variant Server 0.00031; TOPMed 0.00041.

Submissions (2):

Labcorp Genetics (formerly Invitae), Labcorp
Classification: Uncertain significance. Last evaluated: 2022-08-05. Review status: criteria provided, single submitter. Criteria: Invitae Variant Classification Sherloc (09022015). Collection method: clinical testing. Allele origin: germline.
Comment: This sequence change replaces valine, which is neutral and non-polar, with isoleucine, which is neutral and non-polar, at codon 33 of the TRMT5 protein (p.Val33Ile). This variant is present in population databases (rs140779636, gnomAD 0.1%). This variant has not been reported in the literature in individuals affected with TRMT5-related conditions. ClinVar contains an entry for this variant (Variation ID: 1402924). Algorithms developed to predict the effect of missense changes on protein structure and function (SIFT, PolyPhen-2, Align-GVGD) all suggest that this variant is likely to be tolerated. In summary, the available evidence is currently insufficient to determine the role of this variant in disease. Therefore, it has been classified as a Variant of Uncertain Significance.

Ambry Genetics
Classification: Uncertain significance for Inborn genetic diseases. Last evaluated: 2021-08-17. Review status: criteria provided, single submitter. Criteria: Ambry Variant Classification Scheme 2023. Collection method: clinical testing. Allele origin: germline.

NM_020810.3(TRMT5):c.97G>A (p.Val33Ile)

Gene: TRMT5 (tRNA methyltransferase 5; minus strand). Cytogenetic location: 14q23.1.
Variant type: single nucleotide variant.
Coding change: c.97G>A on transcript NM_020810.3 (MANE Select); coding-DNA position 97, G replaced by A.
Protein change: p.Val33Ile; replaces valine 33 with isoleucine.
Molecular consequence: missense variant.
Genome position (GRCh38, 1-based): chr14:60,979,801, C>T on the plus strand (G>A on the coding strand, the complement: TRMT5 is on the minus strand). VCF-style: chr14-60979801-C-T. GRCh37 (hg19) VCF-style: chr14-61446519-C-T.
Other names: c.181G>A, p.Val61Ile (NM_001350253.1); c.178G>A, p.Val60Ile (NM_001350254.1); c.97G>A (NM_020810.2); short protein forms V60I, V33I, V61I.
Identifiers: ClinVar variation 1402924 (VCV001402924.4), dbSNP rs140779636, ClinGen allele CA7213985.